The following is an entry in ClinVar:

ClinVar aggregate classification (germline): Conflicting classifications of pathogenicity. Review status: criteria provided, conflicting classifications (1 of 4 stars). 3 submissions from 3 submitters: Uncertain significance (1); Likely benign (2). Last evaluated 2026-06-22.

Conditions:
Familial thoracic aortic aneurysm and aortic dissection (TAAD). Also called: Thoracic aortic aneurysms and dissections. Identifiers: Orphanet 91387, MedGen C4707243, MONDO:0019625.
Adams-Oliver syndrome 5 (AOS5). Identifiers: Orphanet 974, MedGen C4014970, MONDO:0014459, OMIM 616028.

Allele frequency attached by ClinVar (database versions not stated): gnomAD 0.00001.
gnomAD v4.1: 20 of 1,612,470 alleles (0.0012%); highest among the groups gnomAD compares: African/African-American, 0.0027%; no homozygotes.

Submissions (3):

Ambry Genetics
Classification: Likely benign for Familial thoracic aortic aneurysm and aortic dissection. Last evaluated: 2026-06-22. Review status: criteria provided, single submitter. Criteria: Ambry Variant Classification Scheme 2023. Collection method: clinical testing. Allele origin: germline.

Labcorp Genetics (formerly Invitae), Labcorp
Classification: Likely benign for Adams-Oliver syndrome 5. Last evaluated: 2025-03-09. Review status: criteria provided, single submitter. Criteria: Invitae Variant Classification Sherloc (09022015). Collection method: clinical testing. Allele origin: germline.

GeneDx
Classification: Uncertain significance. Last evaluated: 2022-01-26. Review status: criteria provided, single submitter. Criteria: GeneDx Variant Classification Process June 2021. Collection method: clinical testing. Allele origin: germline. Affected: yes.
Comment: Has not been previously published as pathogenic or benign to our knowledge; In silico analysis, which includes protein predictors and evolutionary conservation, supports that this variant does not alter protein structure/function; Not observed at significant frequency in large population cohorts (gnomAD)

NM_017617.5(NOTCH1):c.3570C>A (p.His1190Gln)

Gene: NOTCH1 (notch receptor 1; minus strand). Cytogenetic location: 9q34.3.
Variant type: single nucleotide variant.
Coding change: c.3570C>A on transcript NM_017617.5 (MANE Select); coding-DNA position 3570, C replaced by A.
Protein change: p.His1190Gln; replaces histidine 1190 with glutamine.
Molecular consequence: missense variant.
Genome position (GRCh38, 1-based): chr9:136,507,378, G>T on the plus strand (C>A on the coding strand, the complement: NOTCH1 is on the minus strand). VCF-style: chr9-136507378-G-T. GRCh37 (hg19) VCF-style: chr9-139401830-G-T.
Other names: short protein forms H1190Q.
Identifiers: ClinVar variation 1305967 (VCV001305967.7), dbSNP rs769619561, ClinGen allele CA375549889.
Genomic context (GRCh38, chr9:136,507,378, plus strand): 5'-TGGGCAGGAGCACTTGTAGGTGTTGGGGAGGTCGAGGCAGGTGCCCCCGTTCTGGCAGGG[G>T]TGGGAGAGGCACTCGTCGATCTCCTCAGAGCAGTTCACCCCGTGGTAGCCGGCCACGCAC-3'
Protein context (NP_060087.3, residues 1180-1200): CSEEIDECLS[His1190Gln]PCQNGGTCLD